The following is an entry in ClinVar:

NM_000038.6(APC):c.1408+1316G>A

Gene: APC (APC regulator of WNT signaling pathway; plus strand). Cytogenetic location: 5q22.2.
Variant type: single nucleotide variant.
Coding change: c.1408+1316G>A on transcript NM_000038.6 (MANE Select); 1316 bases into the intron after coding-DNA position 1408, G replaced by A.
Molecular consequence: intron variant. On other transcripts: missense variant (12).
Genome position (GRCh38, 1-based): chr5:112,823,307, G>A. VCF-style: chr5-112823307-G-A. GRCh37 (hg19) VCF-style: chr5-112159004-G-A.
Other names: c.1333+1316G>A (NM_001354898.2); c.1030+1316G>A (NM_001354904.2); c.559+1316G>A (NM_001354906.2, NM_001407470.1); c.256+1316G>A (NM_001407471.1, NM_001407472.1); c.1105+1316G>A (NM_001354903.2, NM_001407460.1, NM_001407458.1 and 1 more transcripts); c.1324+1316G>A (NM_001354899.2); c.1021+1316G>A (NM_001407467.1, NM_001407469.1); c.1231+1316G>A (NM_001354901.2, NM_001407453.1); and 11 more; short protein forms G369D, G411D, G442D, G445D, G470D, G480D.
Identifiers: ClinVar variation 3031627 (VCV003031627.2), dbSNP rs2533132329, ClinGen allele CA360619766.
Genomic context (GRCh38, chr5:112,823,307, plus strand): 5'-TAATCATCTGGATTTCAAAATAAAACCTAGACTCAGTATTTGTTCCTCTTCCTTCTTCAG[G>A]TAGGAAGGCTACCCGGGGCATTTCATCACAGGAGCTAGGGCAGGGGCTTTCAGGTGAGGA-3'

ClinVar aggregate classification (germline): Uncertain significance (0 of 4 stars; one submission).

Conditions:
APC-related disorder. Also called: APC-related condition.

Submission:

PreventionGenetics, part of Exact Sciences
Classification: Uncertain significance for APC-related condition. Last evaluated: 2023-12-13. Review status: no assertion criteria provided. Collection method: clinical testing. Allele origin: germline.
Comment: The APC c.1409G>A variant is predicted to result in the amino acid substitution p.Gly470Asp. To our knowledge, this variant has not been reported in the literature or in a large population database, indicating this variant is rare. At this time, the clinical significance of this variant is uncertain due to the absence of conclusive functional and genetic evidence.